The following is an entry in ClinVar:

NM_004807.3(HS6ST1):c.1186G>T (p.Gly396Cys)

Gene: HS6ST1 (heparan sulfate 6-O-sulfotransferase 1; minus strand). Cytogenetic location: 2q14.3.
Variant type: single nucleotide variant.
Coding change: c.1186G>T on transcript NM_004807.3 (MANE Select); coding-DNA position 1186, G replaced by T.
Protein change: p.Gly396Cys; replaces glycine 396 with cysteine.
Molecular consequence: missense variant.
Genome position (GRCh38, 1-based): chr2:128,268,212, C>A on the plus strand (G>T on the coding strand, the complement: HS6ST1 is on the minus strand). VCF-style: chr2-128268212-C-A. GRCh37 (hg19) VCF-style: chr2-129025786-C-A.
Other names: short protein forms G396C.
Identifiers: ClinVar variation 2885499 (VCV002885499.3), dbSNP rs765444171, ClinGen allele CA1867451.

ClinVar aggregate classification (germline): Uncertain significance (1 of 4 stars; one submission).

Allele frequency attached by ClinVar (database versions not stated): ExAC 0.00001.

Submission:

Labcorp Genetics (formerly Invitae), Labcorp
Classification: Uncertain significance. Last evaluated: 2023-11-19. Review status: criteria provided, single submitter. Criteria: Invitae Variant Classification Sherloc (09022015). Collection method: clinical testing. Allele origin: germline.
Comment: This sequence change replaces glycine, which is neutral and non-polar, with cysteine, which is neutral and slightly polar, at codon 396 of the HS6ST1 protein (p.Gly396Cys). The frequency data for this variant in the population databases is considered unreliable, as metrics indicate poor data quality at this position in the gnomAD database. This variant has not been reported in the literature in individuals affected with HS6ST1-related conditions. An algorithm developed to predict the effect of missense changes on protein structure and function (PolyPhen-2) suggests that this variant is likely to be disruptive. In summary, the available evidence is currently insufficient to determine the role of this variant in disease. Therefore, it has been classified as a Variant of Uncertain Significance.